The following is an entry in ClinVar:

NM_024426.6(WT1):c.110G>C (p.Gly37Ala)

Genes: WT1 (WT1 transcription factor; minus strand), LOC107982234 (WT1/WT1-AS bi-directional promoter region; plus strand). Cytogenetic location: 11p13.
Variant type: single nucleotide variant.
Coding change: c.110G>C on transcript NM_024426.6 (MANE Select); coding-DNA position 110, G replaced by C.
Protein change: p.Gly37Ala; replaces glycine 37 with alanine.
Molecular consequence: missense variant. On other transcripts: non-coding transcript variant (1).
Genome position (GRCh38, 1-based): chr11:32,435,251, C>G on the plus strand (G>C on the coding strand, the complement: WT1 is on the minus strand). VCF-style: chr11-32435251-C-G. GRCh37 (hg19) VCF-style: chr11-32456797-C-G.
Other names: c.110G>C, p.Gly37Ala (NM_000378.6, NM_024424.5); short protein forms G37A.
Identifiers: ClinVar variation 971749 (VCV000971749.10), dbSNP rs1853477982, ClinGen allele CA379966361.

ClinVar aggregate classification (germline): Conflicting classifications of pathogenicity. Review status: criteria provided, conflicting classifications (1 of 4 stars). 2 submissions from 2 submitters: Uncertain significance (1); Likely benign (1). Last evaluated 2026-04-13.

Conditions:
Inborn genetic diseases. Identifiers: MedGen C0950123, MeSH D030342.
Drash syndrome (DDS). Also called: NEPHROPATHY, WILMS TUMOR, AND GENITAL ANOMALIES; WILMS TUMOR AND PSEUDO- OR TRUE HERMAPHRODITISM. Identifiers: Orphanet 220, MedGen C0950121, MONDO:0008682, OMIM 194080.
Frasier syndrome. Identifiers: Orphanet 347, MedGen C0950122, MeSH D052159, MONDO:0007635, OMIM 136680.
Wilms tumor 1 (WT1). Also called: Wilms tumor, somatic. Identifiers: Orphanet 654, MedGen CN033288, MONDO:0008679, OMIM 194070.
11p partial monosomy syndrome (WAGR). Also called: CHROMOSOME 11p13 DELETION SYNDROME; WAGR Complex; WAGR syndrome; WAGR Spectrum Disorder. Identifiers: Orphanet 893, MedGen C0206115, MONDO:0008681, OMIM 194072.

Submissions (2):

Ambry Genetics
Classification: Likely benign for Inborn genetic diseases. Last evaluated: 2026-04-13. Review status: criteria provided, single submitter. Criteria: Ambry Variant Classification Scheme 2023. Collection method: clinical testing. Allele origin: germline.

Labcorp Genetics (formerly Invitae), Labcorp
Classification: Uncertain significance for Wilms tumor 1; Drash syndrome; 11p partial monosomy syndrome; Frasier syndrome. Last evaluated: 2020-03-31. Review status: criteria provided, single submitter. Criteria: Invitae Variant Classification Sherloc (09022015). Collection method: clinical testing. Allele origin: germline.
Comment: This sequence change replaces glycine with alanine at codon 32 of the WT1 protein (p.Gly32Ala). The glycine residue is weakly conserved and there is a small physicochemical difference between glycine and alanine. The frequency data for this variant in the population databases is considered unreliable, as metrics indicate insufficient coverage at this position in the ExAC database. This variant has not been reported in the literature in individuals with WT1-related conditions. Algorithms developed to predict the effect of missense changes on protein structure and function are either unavailable or do not agree on the potential impact of this missense change (SIFT: "Deleterious"; PolyPhen-2: "Benign"; Align-GVGD: "Class C0"). In summary, the available evidence is currently insufficient to determine the role of this variant in disease. Therefore, it has been classified as a Variant of Uncertain Significance.